The following is an entry in ClinVar:

NM_012123.4(MTO1):c.347G>A (p.Arg116Gln)

Gene: MTO1 (mitochondrial tRNA translation optimization 1; plus strand). Cytogenetic location: 6q13.
Variant type: single nucleotide variant.
Coding change: c.347G>A on transcript NM_012123.4 (MANE Select); coding-DNA position 347, G replaced by A.
Protein change: p.Arg116Gln; replaces arginine 116 with glutamine.
Molecular consequence: missense variant.
Genome position (GRCh38, 1-based): chr6:73,466,338, G>A. VCF-style: chr6-73466338-G-A. GRCh37 (hg19) VCF-style: chr6-74176061-G-A.
Other names: c.347G>A, p.Arg116Gln (NM_001123226.2, NM_133645.3); c.347G>A (NM_001123226.1); short protein forms R116Q.
Identifiers: ClinVar variation 1219753 (VCV001219753.9), dbSNP rs148202739, ClinGen allele CA3889319.

ClinVar aggregate classification (germline): Uncertain significance. Review status: criteria provided, multiple submitters, no conflicts (2 of 4 stars). 3 submissions from 3 submitters: Uncertain significance (3). Last evaluated 2025-02-27.

Conditions:
Mitochondrial hypertrophic cardiomyopathy with lactic acidosis due to MTO1 deficiency. Also called: Combined oxidative phosphorylation deficiency 10; CARDIOMYOPATHY, INFANTILE HYPERTROPHIC MITOCHONDRIAL, AND LACTIC ACIDOSIS. Identifiers: Orphanet 314637, MedGen C4749921, MONDO:0013865, OMIM 614702.
Inborn genetic diseases. Identifiers: MedGen C0950123, MeSH D030342.

Allele frequency attached by ClinVar (database versions not stated): gnomAD 0.00001 and 0.00003; gnomAD exomes 0.00002 and 0.00006; ExAC 0.00006; 1000 Genomes Project 30x 0.00047; 1000 Genomes Project 0.00060.
gnomAD v4.1: 33 of 1,614,084 alleles (0.002%); highest among the groups gnomAD compares: South Asian, 0.016%; no homozygotes.

Submissions (3):

Ambry Genetics
Classification: Uncertain significance for Inborn genetic diseases. Last evaluated: 2025-02-27. Review status: criteria provided, single submitter. Criteria: Ambry Variant Classification Scheme 2023. Collection method: clinical testing. Allele origin: germline.

Labcorp Genetics (formerly Invitae), Labcorp
Classification: Uncertain significance for Mitochondrial hypertrophic cardiomyopathy with lactic acidosis due to MTO1 deficiency. Last evaluated: 2022-03-19. Review status: criteria provided, single submitter. Criteria: Invitae Variant Classification Sherloc (09022015). Collection method: clinical testing. Allele origin: germline.
Comment: This sequence change replaces arginine, which is basic and polar, with glutamine, which is neutral and polar, at codon 116 of the MTO1 protein (p.Arg116Gln). This variant is present in population databases (rs148202739, gnomAD 0.02%). This variant has not been reported in the literature in individuals affected with MTO1-related conditions. ClinVar contains an entry for this variant (Variation ID: 1219753). Algorithms developed to predict the effect of missense changes on protein structure and function output the following: SIFT: "Deleterious"; PolyPhen-2: "Benign"; Align-GVGD: "Class C0". The glutamine amino acid residue is found in multiple mammalian species, which suggests that this missense change does not adversely affect protein function. In summary, the available evidence is currently insufficient to determine the role of this variant in disease. Therefore, it has been classified as a Variant of Uncertain Significance.

GeneDx
Classification: Uncertain significance. Last evaluated: 2019-12-02. Review status: criteria provided, single submitter. Criteria: GeneDx Variant Classification Process June 2021. Collection method: clinical testing. Allele origin: germline. Affected: yes.
Comment: In silico analysis, which includes protein predictors and evolutionary conservation, supports a deleterious effect; Has not been previously published as pathogenic or benign to our knowledge